The following is an entry in ClinVar:

NM_017780.4(CHD7):c.322C>T (p.Pro108Ser)

Gene: CHD7 (chromodomain helicase DNA binding protein 7; plus strand). Cytogenetic location: 8q12.2.
Variant type: single nucleotide variant.
Coding change: c.322C>T on transcript NM_017780.4 (MANE Select); coding-DNA position 322, C replaced by T.
Protein change: p.Pro108Ser; replaces proline 108 with serine.
Molecular consequence: missense variant.
Genome position (GRCh38, 1-based): chr8:60,741,754, C>T. VCF-style: chr8-60741754-C-T. GRCh37 (hg19) VCF-style: chr8-61654313-C-T.
Other names: c.322C>T, p.Pro108Ser (NM_001316690.1); short protein forms P108S.
Identifiers: ClinVar variation 2846784 (VCV002846784.3), dbSNP rs1404976573, ClinGen allele CA371297134.
Genomic context (GRCh38, chr8:60,741,754, plus strand): 5'-AGAATGATGAGCAACACCCCTGGGAACGGACTCGCGTCTCCGCACTCGCAGTATCACACC[C>T]CTCCCGTTCCTCAGGTGCCCCATGGTGGCAGTGGTGGCGGTCAGATGGGTGTCTACCCTG-3'
Protein context (NP_060250.2, residues 98-118): LASPHSQYHT[Pro108Ser]PVPQVPHGGS

ClinVar aggregate classification (germline): Uncertain significance (1 of 4 stars; one submission).

Conditions:
CHARGE syndrome (CHARGE). Also called: Hittner Hirsch Kreh syndrome; CHARGE ASSOCIATION--COLOBOMA, HEART ANOMALY, CHOANAL ATRESIA, RETARDATION, GENITAL AND EAR ANOMALIES; Coloboma, heart anomaly, choanal atresia, retardation, genital and ear anomalies; CHARGE association; Hall-Hittner syndrome. Identifiers: Orphanet 138, MedGen C0265354, MONDO:0008965.

Allele frequency attached by ClinVar (database versions not stated): TOPMed below 0.00001.

Submission:

Labcorp Genetics (formerly Invitae), Labcorp
Classification: Uncertain significance for CHARGE syndrome. Last evaluated: 2023-06-24. Review status: criteria provided, single submitter. Criteria: Invitae Variant Classification Sherloc (09022015). Collection method: clinical testing. Allele origin: germline.
Comment: This sequence change replaces proline, which is neutral and non-polar, with serine, which is neutral and polar, at codon 108 of the CHD7 protein (p.Pro108Ser). This variant is not present in population databases (gnomAD no frequency). This variant has not been reported in the literature in individuals affected with CHD7-related conditions. Advanced modeling of protein sequence and biophysical properties (such as structural, functional, and spatial information, amino acid conservation, physicochemical variation, residue mobility, and thermodynamic stability) performed at Invitae indicates that this missense variant is not expected to disrupt CHD7 protein function. In summary, the available evidence is currently insufficient to determine the role of this variant in disease. Therefore, it has been classified as a Variant of Uncertain Significance.